The following is an entry in ClinVar:

ClinVar aggregate classification (germline): Uncertain significance (1 of 4 stars; one submission).

Allele frequency attached by ClinVar (database versions not stated): TOPMed 0.00006.
gnomAD v4.1: 59 of 1,613,898 alleles (0.0037%); highest among the groups gnomAD compares: Non-Finnish European, 0.0044%; no homozygotes.

Submission:

GeneDx
Classification: Uncertain significance. Last evaluated: 2025-08-20. Review status: criteria provided, single submitter. Criteria: GeneDx Variant Classification Process June 2021. Collection method: clinical testing. Allele origin: germline. Affected: yes.
Comment: In silico analysis suggests that this missense variant does not alter protein structure/function; Has not been previously published as pathogenic or benign to our knowledge; Reported using an alternate transcript of the gene

NM_032122.5(DTNBP1):c.811+70G>T

Gene: DTNBP1 (dystrobrevin binding protein 1; minus strand). Cytogenetic location: 6p22.3.
Variant type: single nucleotide variant.
Coding change: c.811+70G>T on transcript NM_032122.5 (MANE Select); 70 bases into the intron after coding-DNA position 811, G replaced by T.
Molecular consequence: intron variant. On other transcripts: missense variant (1), non-coding transcript variant (1).
Genome position (GRCh38, 1-based): chr6:15,524,456, C>A on the plus strand (G>T on the coding strand, the complement: DTNBP1 is on the minus strand). VCF-style: chr6-15524456-C-A. GRCh37 (hg19) VCF-style: chr6-15524687-C-A.
Other names: c.881G>T, p.Arg294Leu (NM_183040.2); c.706+70G>T (NM_001271669.2); c.760+70G>T (NM_001271668.2); c.568+70G>T (NM_001271667.2); short protein forms R294L.
Identifiers: ClinVar variation 450308 (VCV000450308.4), dbSNP rs141441189, ClinGen allele CA3643869.